The following is an entry in ClinVar:

ClinVar aggregate classification (germline): Likely pathogenic (1 of 4 stars; one submission).

Submission:

Labcorp Genetics (formerly Invitae), Labcorp
Classification: Likely pathogenic. Last evaluated: 2023-09-21. Review status: criteria provided, single submitter. Criteria: Invitae Variant Classification Sherloc (09022015). Collection method: clinical testing. Allele origin: germline.
Comment: In summary, the currently available evidence indicates that the variant is pathogenic, but additional data are needed to prove that conclusively. Therefore, this variant has been classified as Likely Pathogenic. A similar copy number variant has been observed in individual(s) with clinical features of oculocutaneous albinism (Invitae). In at least one individual the data is consistent with being in trans (on the opposite chromosome) from a pathogenic variant. This variant results in a copy number gain of the genomic region encompassing exon(s) 24 of the OCA2 gene. This region includes the termination codon of the gene. This copy number gain extends beyond the assayed region for this gene and therefore may encompass additional genes. As the precise location of this event is unknown, it may be in tandem or it may be located elsewhere in the genome.

NC_000015.9:g.(?_28000534)_(28000638_?)dup

Gene: OCA2 (OCA2 melanosomal transmembrane protein; minus strand). Cytogenetic location: 15q12.
Variant type: Duplication.
Identifiers: ClinVar variation 1409439 (VCV001409439.5).